The following is an entry in ClinVar:

ClinVar aggregate classification (germline): Uncertain significance (1 of 4 stars; one submission).

Conditions:
Lafora disease. Also called: Epilepsy progressive myoclonic 2; Progressive Myoclonus Epilepsy, Lafora Type. Identifiers: Orphanet 501, MedGen C0751783, MONDO:0009697.

Submission:

Labcorp Genetics (formerly Invitae), Labcorp
Classification: Uncertain significance for Lafora disease. Last evaluated: 2022-08-22. Review status: criteria provided, single submitter. Criteria: Invitae Variant Classification Sherloc (09022015). Collection method: clinical testing. Allele origin: germline.
Comment: In summary, the available evidence is currently insufficient to determine the role of this variant in disease. Therefore, it has been classified as a Variant of Uncertain Significance. Algorithms developed to predict the effect of missense changes on protein structure and function output the following: SIFT: "Tolerated"; PolyPhen-2: "Benign"; Align-GVGD: "Class C0". The glutamine amino acid residue is found in multiple mammalian species, which suggests that this missense change does not adversely affect protein function. This variant has not been reported in the literature in individuals affected with NHLRC1-related conditions. This variant is not present in population databases (gnomAD no frequency). This sequence change replaces histidine, which is basic and polar, with glutamine, which is neutral and polar, at codon 60 of the NHLRC1 protein (p.His60Gln).

NM_198586.3(NHLRC1):c.180C>A (p.His60Gln)

Gene: NHLRC1 (NHL repeat containing E3 ubiquitin protein ligase 1; minus strand). Cytogenetic location: 6p22.3.
Variant type: single nucleotide variant.
Coding change: c.180C>A on transcript NM_198586.3 (MANE Select); coding-DNA position 180, C replaced by A.
Protein change: p.His60Gln; replaces histidine 60 with glutamine.
Molecular consequence: missense variant.
Genome position (GRCh38, 1-based): chr6:18,122,427, G>T on the plus strand (C>A on the coding strand, the complement: NHLRC1 is on the minus strand). VCF-style: chr6-18122427-G-T. GRCh37 (hg19) VCF-style: chr6-18122658-G-T.
Other names: short protein forms H60Q.
Identifiers: ClinVar variation 1717671 (VCV001717671.6), dbSNP rs1783757436, ClinGen allele CA362829384.
Genomic context (GRCh38, chr6:18,122,427, plus strand): 5'-GGTGTCGCAGCCCCGGCAAGCTCGCCTGCAGAATGGGCACTCGAGGGCCAGAGTGCGCGG[G>T]TGCGCCAGGGCGGCCACGCAGGCCAGGCAGACCACGTGGCCGCAGGACAGGTTGCGCGGG-3'
Protein context (NP_940988.2, residues 50-70): VCLACVAALA[His60Gln]PRTLALECPF